The following is an entry in ClinVar:

ClinVar aggregate classification (germline): Uncertain significance. Review status: no assertion criteria provided (0 of 4 stars). 2 submissions from 1 submitter: Uncertain significance (1). 1 of the submissions does not count toward it.

Submissions (2):

Richard Lifton Laboratory, Yale University School of Medicine
Classification: Uncertain significance. Review status: no assertion criteria provided. Collection method: not provided. Allele origin: somatic.
Comment: ADAM15:p.P769P
ClinVar note: Converted during submission from unknown to Uncertain significance.

Richard Lifton Laboratory, Yale University School of Medicine
Classification: Uncertain significance. Review status: flagged submission. Collection method: not provided. Allele origin: somatic. Not counted in ClinVar's aggregate classification.
ClinVar note: Converted during submission from unknown to Uncertain significance.
ClinVar note: Reason: This record appears to be redundant with a more recent record from the same submitter.
ClinVar note: Notes: SCV000120122 appears to be redundant with SCV000155226.

NM_207197.3(ADAM15):c.2307C>T (p.Pro769=)

Genes: ADAM15 (ADAM metallopeptidase domain 15; plus strand), ADAM15-EFNA4 (ADAM15-EFNA4 readthrough; plus strand), DCST1-AS1 (DCST1 antisense RNA 1; minus strand). Cytogenetic location: 1q21.3.
Variant type: single nucleotide variant.
Coding change: c.2307C>T on transcript NM_207197.3 (MANE Select); coding-DNA position 2307, C replaced by T.
Protein change: p.Pro769=; no amino-acid change (proline 769 retained).
Molecular consequence: synonymous variant. On other transcripts: missense variant (1), non-coding transcript variant (2), intron variant (4).
Genome position (GRCh38, 1-based): chr1:155,061,444, C>T. VCF-style: chr1-155061444-C-T. GRCh37 (hg19) VCF-style: chr1-155033920-C-T.
Other names: c.2234C>T, p.Pro745Leu (NM_001261465.2); c.2307C>T, p.Pro769= (NM_207194.3); c.2304C>T, p.Pro768= (NM_207196.3); c.2307+612C>T (NM_001261464.2); c.2278-460C>T (NM_207195.3); c.2277+612C>T (NM_003815.5); c.2208-801C>T (NM_207191.3); short protein forms P745L.
Identifiers: ClinVar variation 100897 (VCV000100897.2), dbSNP rs483352774, ClinGen allele CA229222.